The following is an entry in ClinVar:

ClinVar aggregate classification (germline): Uncertain significance (1 of 4 stars; one submission).

Allele frequency attached by ClinVar (database versions not stated): gnomAD exomes below 0.00001; ExAC 0.00005; gnomAD 0.00001; TOPMed 0.00001.

Submission:

Labcorp Genetics (formerly Invitae), Labcorp
Classification: Uncertain significance. Last evaluated: 2025-03-07. Review status: criteria provided, single submitter. Criteria: Invitae Variant Classification Sherloc (09022015). Collection method: clinical testing. Allele origin: germline.
Comment: This sequence change replaces threonine, which is neutral and polar, with isoleucine, which is neutral and non-polar, at codon 1220 of the TET2 protein (p.Thr1220Ile). This variant is present in population databases (rs750669382, gnomAD 0.02%). This variant has not been reported in the literature in individuals affected with TET2-related conditions. ClinVar contains an entry for this variant (Variation ID: 2981463). An algorithm developed to predict the effect of missense changes on protein structure and function (PolyPhen-2) suggests that this variant is likely to be tolerated. In summary, the available evidence is currently insufficient to determine the role of this variant in disease. Therefore, it has been classified as a Variant of Uncertain Significance.

NM_001127208.3(TET2):c.3659C>T (p.Thr1220Ile)

Genes: TET2 (tet methylcytosine dioxygenase 2; plus strand), TET2-AS1 (TET2 antisense RNA 1; minus strand). Cytogenetic location: 4q24.
Variant type: single nucleotide variant.
Coding change: c.3659C>T on transcript NM_001127208.3 (MANE Select); coding-DNA position 3659, C replaced by T.
Protein change: p.Thr1220Ile; replaces threonine 1220 with isoleucine.
Molecular consequence: missense variant.
Genome position (GRCh38, 1-based): chr4:105,243,634, C>T. VCF-style: chr4-105243634-C-T. GRCh37 (hg19) VCF-style: chr4-106164791-C-T.
Other names: short protein forms T1220I.
Identifiers: ClinVar variation 2981463 (VCV002981463.3), dbSNP rs750669382, ClinGen allele CA3032114.